The following is an entry in ClinVar:

ClinVar aggregate classification (germline): Likely benign. Review status: criteria provided, multiple submitters, no conflicts (2 of 4 stars). 2 submissions from 2 submitters: Likely benign (2). Last evaluated 2026-03-19.

Conditions:
NKX2-5-related disorder. Also called: NKX2-5-related condition.
Cardiovascular phenotype. Identifiers: MedGen CN230736.

Submissions (2):

PreventionGenetics, part of Exact Sciences
Classification: Likely benign for NKX2-5-related condition. Last evaluated: 2026-03-19. Review status: criteria provided, single submitter. Criteria: ACMG Guidelines, 2015. Collection method: clinical testing. Allele origin: germline.
Comment: This variant is classified as likely benign based on ACMG/AMP sequence variant interpretation guidelines (Richards et al. 2015 PMID: 25741868, with internal and published modifications).

Ambry Genetics
Classification: Likely benign for Cardiovascular phenotype. Last evaluated: 2020-02-02. Review status: criteria provided, single submitter. Criteria: Ambry Variant Classification Scheme 2023. Collection method: clinical testing. Allele origin: germline.

NM_004387.4(NKX2-5):c.501A>G (p.Glu167=)

Gene: NKX2-5 (NK2 homeobox 5; minus strand). Cytogenetic location: 5q35.1.
Variant type: single nucleotide variant.
Coding change: c.501A>G on transcript NM_004387.4 (MANE Select); coding-DNA position 501, A replaced by G.
Protein change: p.Glu167=; no amino-acid change (glutamic acid 167 retained).
Molecular consequence: synonymous variant. On other transcripts: 3 prime UTR variant (2).
Genome position (GRCh38, 1-based): chr5:173,233,043, T>C on the plus strand (A>G on the coding strand, the complement: NKX2-5 is on the minus strand). VCF-style: chr5-173233043-T-C. GRCh37 (hg19) VCF-style: chr5-172660046-T-C.
Other names: c.*454A>G (NM_001166175.2); c.*300A>G (NM_001166176.2).
Identifiers: ClinVar variation 1744802 (VCV001744802.3), dbSNP rs2480073090, ClinGen allele CA447975109.